The following is an entry in ClinVar:

ClinVar aggregate classification (germline): Uncertain significance (1 of 4 stars; one submission).

Allele frequency attached by ClinVar (database versions not stated): gnomAD exomes below 0.00001.
gnomAD v4.1: 2 of 1,613,448 alleles (0.00012%); highest among the groups gnomAD compares: Non-Finnish European, 0.00017%; no homozygotes.

Submission:

Labcorp Genetics (formerly Invitae), Labcorp
Classification: Uncertain significance. Last evaluated: 2022-09-01. Review status: criteria provided, single submitter. Criteria: Invitae Variant Classification Sherloc (09022015). Collection method: clinical testing. Allele origin: germline.
Comment: This variant has not been reported in the literature in individuals affected with ADSSL1-related conditions. In summary, the available evidence is currently insufficient to determine the role of this variant in disease. Therefore, it has been classified as a Variant of Uncertain Significance. Algorithms developed to predict the effect of missense changes on protein structure and function are either unavailable or do not agree on the potential impact of this missense change (SIFT: "Not Available"; PolyPhen-2: "Probably Damaging"; Align-GVGD: "Not Available"). This variant is not present in population databases (gnomAD no frequency). This sequence change replaces valine, which is neutral and non-polar, with alanine, which is neutral and non-polar, at codon 320 of the ADSSL1 protein (p.Val320Ala).

NM_152328.5(ADSS1):c.830T>C (p.Val277Ala)

Gene: ADSS1 (adenylosuccinate synthase 1; plus strand). Cytogenetic location: 14q32.33.
Variant type: single nucleotide variant.
Coding change: c.830T>C on transcript NM_152328.5 (MANE Select); coding-DNA position 830, T replaced by C.
Protein change: p.Val277Ala; replaces valine 277 with alanine.
Molecular consequence: missense variant.
Genome position (GRCh38, 1-based): chr14:104,741,884, T>C. VCF-style: chr14-104741884-T-C. GRCh37 (hg19) VCF-style: chr14-105208221-T-C.
Other names: c.215T>C, p.Val72Ala (NM_001320424.1); c.959T>C, p.Val320Ala (NM_199165.2); short protein forms V72A, V277A, V320A.
Identifiers: ClinVar variation 2134863 (VCV002134863.4), dbSNP rs2542034539, ClinGen allele CA391242044.